The following is an entry in ClinVar:

NM_052988.5(CDK10):c.169C>T (p.Arg57Trp)

Gene: CDK10 (cyclin dependent kinase 10; plus strand). Cytogenetic location: 16q24.3.
Variant type: single nucleotide variant.
Coding change: c.169C>T on transcript NM_052988.5 (MANE Select); coding-DNA position 169, C replaced by T.
Protein change: p.Arg57Trp; replaces arginine 57 with tryptophan.
Molecular consequence: missense variant. On other transcripts: 5 prime UTR variant (3), non-coding transcript variant (2).
Genome position (GRCh38, 1-based): chr16:89,690,561, C>T. VCF-style: chr16-89690561-C-T. GRCh37 (hg19) VCF-style: chr16-89756969-C-T.
Other names: c.-45C>T (NM_001098533.3, NM_001160367.2, NM_052987.4); short protein forms R57W.
Identifiers: ClinVar variation 1030107 (VCV001030107.38), dbSNP rs141061239, ClinGen allele CA8247760.

ClinVar aggregate classification (germline): Uncertain significance. Review status: criteria provided, multiple submitters, no conflicts (2 of 4 stars). 3 submissions from 3 submitters: Uncertain significance (3). Last evaluated 2022-06-27.

Conditions:
Inborn genetic diseases. Identifiers: MedGen C0950123, MeSH D030342.
Al Kaissi syndrome. Also called: GROWTH RETARDATION, SPINE MALFORMATION, DYSMORPHIC FACIES, AND DEVELOPMENTAL DELAY. Identifiers: MedGen C4540156, MONDO:0044324, OMIM 617694.

Allele frequency attached by ClinVar (database versions not stated): gnomAD 0.00003 and 0.00004; gnomAD exomes 0.00005 and 0.00008; ExAC 0.00010; TOPMed 0.00012; ESP Exome Variant Server 0.00015; 1000 Genomes Project 30x 0.00016; 1000 Genomes Project 0.00020.
gnomAD v4.1: 90 of 1,613,980 alleles (0.0056%); highest among the groups gnomAD compares: Middle Eastern, 0.18%; no homozygotes.

Submissions (3):

Ambry Genetics
Classification: Uncertain significance for Inborn genetic diseases. Last evaluated: 2022-06-27. Review status: criteria provided, single submitter. Criteria: Ambry Variant Classification Scheme 2023. Collection method: clinical testing. Allele origin: germline.

CeGaT Center for Human Genetics Tuebingen
Classification: Uncertain significance. Last evaluated: 2021-05-01. Review status: criteria provided, single submitter. Criteria: CeGaT Center For Human Genetics Tuebingen Variant Classification Criteria Version 2. Collection method: clinical testing. Allele origin: germline. Affected: yes. Observed: 1 variant allele.

Baylor Genetics
Classification: Uncertain significance for Al Kaissi syndrome. Last evaluated: 2019-09-27. Review status: criteria provided, single submitter. Criteria: ACMG Guidelines, 2015. Collection method: clinical testing. Allele origin: unknown. Affected: yes.
Comment: This variant was determined to be of uncertain significance according to ACMG Guidelines, 2015 [PMID:25741868].